The following is an entry in ClinVar:

ClinVar aggregate classification (germline): Uncertain significance (1 of 4 stars; one submission).

Conditions:
Malignant hyperthermia, susceptibility to, 5 (MHS5). Also called: CACNA1S-Related Malignant Hyperthermia Susceptibility. Identifiers: Orphanet 423, MedGen C1866077, MONDO:0011163, OMIM 601887.

Submission:

All of Us Research Program, National Institutes of Health
Classification: Uncertain significance for Malignant hyperthermia, susceptibility to, 5. Last evaluated: 2023-08-23. Review status: criteria provided, single submitter. Criteria: ACMG Guidelines, 2015. Collection method: clinical testing. Allele origin: germline. Inheritance: Autosomal dominant inheritance. Observed: 1 variant allele, 1 heterozygote.
Comment: This variant results in the in-frame deletion of four amino acids in the CACNA1S protein. To our knowledge, functional studies have not been reported for this variant. This variant has not been reported in individuals affected with CACNA1S-related disorders in the literature. This variant has not been identified in the general population by the Genome Aggregation Database (gnomAD). The available evidence is insufficient to determine the role of this variant in disease conclusively. Therefore, this variant is classified as a Variant of Uncertain Significance.

This study involves interpretation of variants in research participants for the purpose of population health screening. Participant phenotype was not available at the time of variant classification. Additional details can be found in publication PMID: 35346344, PMCID: PMC8962531

NM_000069.3(CACNA1S):c.2410TTCATCCTGCTC[1] (p.804FILL[1])

Gene: CACNA1S (calcium voltage-gated channel subunit alpha1 S; minus strand). Cytogenetic location: 1q32.1.
Variant type: Microsatellite.
Coding change: c.2410TTCATCCTGCTC[1] on transcript NM_000069.3 (MANE Select); one copy of the 12-base unit TTCATCCTGCTC starting at c.2410; the reference has two copies in a row; one copy, 12 bases deleted.
Protein change: p.804FILL[1].
Molecular consequence: inframe deletion.
Genome position (GRCh38, 1-based): chr1:201,069,529-201,069,540, GAGCAGGATGAA deleted on the plus strand (TTCATCCTGCTC on the coding strand, the reverse complement: CACNA1S is on the minus strand); deleting any 12 consecutive bases within chr1:201,069,529-201,069,553 gives the same sequence; the position shown is the placement nearest the transcript's 3' end. VCF-style (leftmost placement, unchanged base first): chr1-201069528-TGAGCAGGATGAA-T. GRCh37 (hg19) VCF-style: chr1-201038656-TGAGCAGGATGAA-T.
Identifiers: ClinVar variation 3073156 (VCV003073156.1), dbSNP rs1177008257, ClinGen allele CA1219582548.
Genomic context (GRCh38, chr1:201,069,528, plus strand): 5'-TCACCTGATTTCTCATGGAATCAGCCCGGATGGGGTCTTCCGCAGCCAGTGCAGCGCTGC[TGAGCAGGATGAA>T]GAGCAGGATGAAGTTGGTAAACCAGGTGGCATTGACGATGCGGTGACACAGGACACGGAT-3'